The following is an entry in ClinVar:

ClinVar aggregate classification (germline): Uncertain significance (1 of 4 stars; one submission).

Allele frequency attached by ClinVar (database versions not stated): gnomAD exomes below 0.00001 and 0.00001; ExAC 0.00001; gnomAD 0.00001.
gnomAD v4.1: 5 of 1,609,836 alleles (0.00031%); highest among the groups gnomAD compares: South Asian, 0.0022%; no homozygotes.

Submission:

Labcorp Genetics (formerly Invitae), Labcorp
Classification: Uncertain significance. Last evaluated: 2024-03-07. Review status: criteria provided, single submitter. Criteria: Invitae Variant Classification Sherloc (09022015). Collection method: clinical testing. Allele origin: germline.
Comment: This sequence change replaces histidine, which is basic and polar, with arginine, which is basic and polar, at codon 478 of the IL6ST protein (p.His478Arg). This variant is present in population databases (rs112901728, gnomAD 0.007%). This variant has not been reported in the literature in individuals affected with IL6ST-related conditions. ClinVar contains an entry for this variant (Variation ID: 1510698). Algorithms developed to predict the effect of missense changes on protein structure and function output the following: SIFT: "Not Available"; PolyPhen-2: "Benign"; Align-GVGD: "Not Available". The arginine amino acid residue is found in multiple mammalian species, which suggests that this missense change does not adversely affect protein function. In summary, the available evidence is currently insufficient to determine the role of this variant in disease. Therefore, it has been classified as a Variant of Uncertain Significance.

NM_002184.4(IL6ST):c.1433A>G (p.His478Arg)

Gene: IL6ST (interleukin 6 cytokine family signal transducer; minus strand). Cytogenetic location: 5q11.2.
Variant type: single nucleotide variant.
Coding change: c.1433A>G on transcript NM_002184.4 (MANE Select); coding-DNA position 1433, A replaced by G.
Protein change: p.His478Arg; replaces histidine 478 with arginine.
Molecular consequence: missense variant. On other transcripts: 3 prime UTR variant (1), non-coding transcript variant (2), intron variant (1).
Genome position (GRCh38, 1-based): chr5:55,954,827, T>C on the plus strand (A>G on the coding strand, the complement: IL6ST is on the minus strand). VCF-style: chr5-55954827-T-C. GRCh37 (hg19) VCF-style: chr5-55250655-T-C.
Other names: c.1433A>G, p.His478Arg (NM_001364275.2); c.1223A>G, p.His408Arg (NM_001364276.2); c.566A>G, p.His189Arg (NM_001364277.2); c.530A>G, p.His177Arg (NM_001364278.2); c.437A>G, p.His146Arg (NM_001364279.2); c.*360A>G (NM_175767.3); c.1267+1198A>G (NM_001190981.2); short protein forms H146R, H189R, H177R, H408R, H478R.
Identifiers: ClinVar variation 1510698 (VCV001510698.8), dbSNP rs112901728, ClinGen allele CA3271428.
Genomic context (GRCh38, chr5:55,954,827, plus strand): 5'-TTAGAAAAAGGATATCAATTTAGATGTTTCTAGCCAGGTATACCTCTTAAATAGGTGCGA[T>C]GCACGGTACCATCTTCTTGTTGCCAGTCTGTGATACAGGGTGCTTTATCTGATAACACAC-3'
Protein context (NP_002175.2, residues 468-488): TDWQQEDGTV[His478Arg]RTYLRGNLAE